The following is an entry in ClinVar:

ClinVar aggregate classification (germline): Likely benign (1 of 4 stars; one submission).

Submission:

GeneDx
Classification: Likely benign. Last evaluated: 2022-06-08. Review status: criteria provided, single submitter. Criteria: GeneDx Variant Classification Process June 2021. Collection method: clinical testing. Allele origin: germline. Affected: yes.
Comment: See Variant Classification Assertion Criteria.

NM_014694.4(ADAMTSL2):c.2089-12del

Gene: ADAMTSL2 (ADAMTS like 2; plus strand). Cytogenetic location: 9q34.2.
Variant type: Deletion.
Coding change: c.2089-12del on transcript NM_014694.4 (MANE Select); 12 bases into the intron before coding-DNA position 2089, one base deleted (C; older notation c.2089-12delC).
Molecular consequence: intron variant.
Genome position (GRCh38, 1-based): chr9:133,568,591, C deleted; the last of 5 consecutive C bases (chr9:133,568,587-133,568,591); deleting any one gives the same sequence. VCF-style (leftmost placement, unchanged base first): chr9-133568586-TC-T. GRCh37 (hg19) VCF-style: chr9-136433708-TC-T.
Other names: c.2089-12del (NM_001145320.2).
Identifiers: ClinVar variation 1207788 (VCV001207788.6), dbSNP rs771663807, ClinGen allele CA200936647.